The following is an entry in ClinVar:

NM_006361.6(HOXB13):c.148C>G (p.Pro50Ala)

Gene: HOXB13 (homeobox B13; minus strand). Cytogenetic location: 17q21.32.
Variant type: single nucleotide variant.
Coding change: c.148C>G on transcript NM_006361.6 (MANE Select); coding-DNA position 148, C replaced by G.
Protein change: p.Pro50Ala; replaces proline 50 with alanine.
Molecular consequence: missense variant.
Genome position (GRCh38, 1-based): chr17:48,728,446, G>C on the plus strand (C>G on the coding strand, the complement: HOXB13 is on the minus strand). VCF-style: chr17-48728446-G-C. GRCh37 (hg19) VCF-style: chr17-46805808-G-C.
Other names: short protein forms P50A.
Identifiers: ClinVar variation 690554 (VCV000690554.5), dbSNP rs1597935020, ClinGen allele CA400109114.

ClinVar aggregate classification (germline): Uncertain significance. Review status: criteria provided, single submitter (1 of 4 stars). 2 submissions from 2 submitters: Uncertain significance (1). 1 of the submissions does not count toward it. Last evaluated 2023-11-01.

Conditions:
Prostate cancer, hereditary, 1 (HPC1). Identifiers: Orphanet 1331, MedGen C4722327, MONDO:0011098, OMIM 601518.

Submissions (2):

Labcorp Genetics (formerly Invitae), Labcorp
Classification: Uncertain significance. Last evaluated: 2023-11-01. Review status: criteria provided, single submitter. Criteria: Invitae Variant Classification Sherloc (09022015). Collection method: clinical testing. Allele origin: germline.
Comment: This sequence change replaces proline, which is neutral and non-polar, with alanine, which is neutral and non-polar, at codon 50 of the HOXB13 protein (p.Pro50Ala). This variant is not present in population databases (gnomAD no frequency). This variant has not been reported in the literature in individuals affected with HOXB13-related conditions. ClinVar contains an entry for this variant (Variation ID: 690554). An algorithm developed to predict the effect of missense changes on protein structure and function (PolyPhen-2) suggests that this variant is likely to be tolerated. In summary, the available evidence is currently insufficient to determine the role of this variant in disease. Therefore, it has been classified as a Variant of Uncertain Significance.

Laboratory of Virology, Microbiology,  Quality and Medical Biotechnologies, Faculty of Sciences and Techniques - Mohammedia, Hassan II University of Casablanca
Classification: Uncertain significance for Prostate cancer, hereditary, 1. Review status: no assertion criteria provided. Collection method: clinical testing. Allele origin: somatic. Affected: yes. Not counted in ClinVar's aggregate classification.